The following is an entry in ClinVar:

NM_001563.4(IMPG1):c.1096G>A (p.Glu366Lys)

Gene: IMPG1 (interphotoreceptor matrix proteoglycan 1; minus strand). Cytogenetic location: 6q14.1.
Variant type: single nucleotide variant.
Coding change: c.1096G>A on transcript NM_001563.4 (MANE Select); coding-DNA position 1096, G replaced by A.
Protein change: p.Glu366Lys; replaces glutamic acid 366 with lysine.
Molecular consequence: missense variant.
Genome position (GRCh38, 1-based): chr6:76,005,326, C>T on the plus strand (G>A on the coding strand, the complement: IMPG1 is on the minus strand). VCF-style: chr6-76005326-C-T. GRCh37 (hg19) VCF-style: chr6-76715043-C-T.
Other names: c.862G>A, p.Glu288Lys (NM_001282368.2); c.1096G>A (NM_001563.2); short protein forms E366K, E288K.
Identifiers: ClinVar variation 1040081 (VCV001040081.10), dbSNP rs1025950037, ClinGen allele CA141083679.

ClinVar aggregate classification (germline): Uncertain significance. Review status: criteria provided, multiple submitters, no conflicts (2 of 4 stars). 3 submissions from 3 submitters: Uncertain significance (3). Last evaluated 2025-08-16.

Allele frequency attached by ClinVar (database versions not stated): gnomAD exomes below 0.00001.
gnomAD v4.1: 2 of 1,614,010 alleles (0.00012%); highest among the groups gnomAD compares: Admixed American, 0.0017%; no homozygotes.

Submissions (3):

Labcorp Genetics (formerly Invitae), Labcorp
Classification: Uncertain significance. Last evaluated: 2025-08-16. Review status: criteria provided, single submitter. Criteria: Invitae Variant Classification Sherloc (09022015). Collection method: clinical testing. Allele origin: germline.
Comment: This sequence change replaces glutamic acid, which is acidic and polar, with lysine, which is basic and polar, at codon 366 of the IMPG1 protein (p.Glu366Lys). This variant is not present in population databases (gnomAD no frequency). This variant has not been reported in the literature in individuals affected with IMPG1-related conditions. ClinVar contains an entry for this variant (Variation ID: 1040081). An algorithm developed to predict the effect of missense changes on protein structure and function (PolyPhen-2) suggests that this variant is likely to be tolerated. In summary, the available evidence is currently insufficient to determine the role of this variant in disease. Therefore, it has been classified as a Variant of Uncertain Significance.

Blueprint Genetics
Classification: Uncertain significance. Last evaluated: 2024-02-12. Review status: criteria provided, single submitter. Criteria: ACMG Guidelines, 2015. Collection method: clinical testing. Allele origin: germline.

Ambry Genetics
Classification: Uncertain significance. Last evaluated: 2021-07-14. Review status: criteria provided, single submitter. Criteria: Ambry Variant Classification Scheme 2023. Collection method: clinical testing. Allele origin: germline.